The following is an entry in ClinVar:

NM_001126108.2(SLC12A3):c.1543A>G (p.Ile515Val)

Gene: SLC12A3 (solute carrier family 12 member 3; plus strand). Cytogenetic location: 16q13.
Variant type: single nucleotide variant.
Coding change: c.1543A>G on transcript NM_001126108.2 (MANE Select); coding-DNA position 1543, A replaced by G.
Protein change: p.Ile515Val; replaces isoleucine 515 with valine.
Molecular consequence: missense variant.
Genome position (GRCh38, 1-based): chr16:56,880,229, A>G. VCF-style: chr16-56880229-A-G. GRCh37 (hg19) VCF-style: chr16-56914141-A-G.
Other names: c.1543A>G, p.Ile515Val (NM_000339.3); c.1540A>G, p.Ile514Val (NM_001126107.2); short protein forms I514V, I515V.
Identifiers: ClinVar variation 722826 (VCV000722826.18), dbSNP rs554432544, ClinGen allele CA8069512.

ClinVar aggregate classification (germline): Benign/Likely benign. Review status: criteria provided, multiple submitters, no conflicts (2 of 4 stars). 5 submissions from 5 submitters: Benign (2); Likely benign (2). 1 of the submissions does not count toward it. Last evaluated 2025-11-17.

Conditions:
Familial hypokalemia-hypomagnesemia (GTLMNS). Also called: HYPOMAGNESEMIA-HYPOKALEMIA, PRIMARY RENOTUBULAR, WITH HYPOCALCIURIA; POTASSIUM AND MAGNESIUM DEPLETION; gitelman syndrome. Identifiers: Orphanet 358, MedGen C0268450, MONDO:0009904, OMIM 263800.

Allele frequency attached by ClinVar (database versions not stated): gnomAD 0.00003 and 0.00033; TOPMed 0.00008; 1000 Genomes Project 0.00180; 1000 Genomes Project 30x 0.00187; ExAC 0.00221.
gnomAD v4.1: 868 of 1,585,580 alleles (0.055%); highest among the groups gnomAD compares: South Asian, 0.92%; 12 homozygotes.

Submissions (5):

Labcorp Genetics (formerly Invitae), Labcorp
Classification: Benign. Last evaluated: 2025-11-17. Review status: criteria provided, single submitter. Criteria: Invitae Variant Classification Sherloc (09022015). Collection method: clinical testing. Allele origin: germline.

Blueprint Genetics
Classification: Likely benign. Last evaluated: 2024-11-11. Review status: criteria provided, single submitter. Criteria: ACMG Guidelines, 2015. Collection method: clinical testing. Allele origin: germline.

Genome-Nilou Lab
Classification: Benign for Familial hypokalemia-hypomagnesemia. Last evaluated: 2021-07-15. Review status: criteria provided, single submitter. Criteria: ACMG Guidelines, 2015. Collection method: clinical testing. Allele origin: germline. Affected: no.

Illumina Laboratory Services, Illumina
Classification: Likely benign for Familial hypokalemia-hypomagnesemia. Last evaluated: 2018-01-12. Review status: criteria provided, single submitter. Criteria: ICSL Variant Classification Criteria 13 December 2019. Collection method: clinical testing. Allele origin: germline.
Comment: This variant was observed in the ICSL laboratory as part of a predisposition screen in an ostensibly healthy population. It had not been previously curated by ICSL or reported in the Human Gene Mutation Database (HGMD: prior to June 1st, 2018), and was therefore a candidate for classification through an automated scoring system. Utilizing variant allele frequency, disease prevalence and penetrance estimates, and inheritance mode, an automated score was calculated to assess if this variant is too frequent to cause the disease. Based on the score and internal cut-off values, a variant classified as likely benign is not then subjected to further curation. The score for this variant resulted in a classification of likely benign for this disease.

Natera, Inc.
Classification: Benign for Gitelman syndrome. Last evaluated: 2020-01-08. Review status: no assertion criteria provided. Collection method: clinical testing. Allele origin: germline. Not counted in ClinVar's aggregate classification.